The following is an entry in ClinVar:

NM_001849.4(COL6A2):c.2979C>T (p.Arg993=)

Gene: COL6A2 (collagen type VI alpha 2 chain; plus strand). Cytogenetic location: 21q22.3.
Variant type: single nucleotide variant.
Coding change: c.2979C>T on transcript NM_001849.4 (MANE Select); coding-DNA position 2979, C replaced by T.
Protein change: p.Arg993=; no amino-acid change (arginine 993 retained).
Molecular consequence: synonymous variant.
Genome position (GRCh38, 1-based): chr21:46,132,471, C>T. VCF-style: chr21-46132471-C-T. GRCh37 (hg19) VCF-style: chr21-47552385-C-T.
Other names: p.Arg993=.
Identifiers: ClinVar variation 93950 (VCV000093950.29), dbSNP rs6652, ClinGen allele CA147493.

ClinVar aggregate classification (germline): Benign/Likely benign. Review status: criteria provided, multiple submitters, no conflicts (2 of 4 stars). 10 submissions from 10 submitters: Benign (7); Likely benign (1). 2 of the submissions do not count toward it. Last evaluated 2026-02-03.

Conditions:
Bethlem myopathy 1A. Also called: Bethlem Muscular Dystrophy; MYOPATHY, BENIGN CONGENITAL, WITH CONTRACTURES; Bethlem myopathy 1. Identifiers: Orphanet 610, MedGen CN029274, MONDO:0024530, OMIM 158810.

Allele frequency attached by ClinVar (database versions not stated): 1000 Genomes Project 0.09245; 1000 Genomes Project 30x 0.09447; gnomAD exomes 0.13132 and 0.17774; ExAC 0.13733; gnomAD 0.14201 and 0.14487; TOPMed 0.14386; ESP Exome Variant Server 0.16731.
gnomAD v4.1: 279,394 of 1,605,962 alleles (17%); highest among the groups gnomAD compares: Non-Finnish European, 20%; 26,910 homozygotes.

Submissions (10):

Labcorp Genetics (formerly Invitae), Labcorp
Classification: Benign for Bethlem myopathy 1A. Last evaluated: 2026-02-03. Review status: criteria provided, single submitter. Criteria: Invitae Variant Classification Sherloc (09022015). Collection method: clinical testing. Allele origin: germline.

Blueprint Genetics
Classification: Benign. Last evaluated: 2024-11-28. Review status: criteria provided, single submitter. Criteria: ACMG Guidelines, 2015. Collection method: clinical testing. Allele origin: germline.

Mayo Clinic Laboratories, Mayo Clinic
Classification: Benign. Last evaluated: 2017-07-24. Review status: criteria provided, single submitter. Criteria: ACMG Guidelines, 2015. Collection method: clinical testing. Allele origin: germline. Observed: 246 variant alleles.

GeneDx
Classification: Benign. Last evaluated: 2015-12-01. Review status: criteria provided, single submitter. Criteria: GeneDx Variant Classification (06012015). Collection method: clinical testing. Allele origin: germline. Affected: yes.
Comment: This variant is considered likely benign or benign based on one or more of the following criteria: it is a conservative change, it occurs at a poorly conserved position in the protein, it is predicted to be benign by multiple in silico algorithms, and/or has population frequency not consistent with disease.

Genetic Services Laboratory, University of Chicago
Classification: Benign for AllHighlyPenetrant. Last evaluated: 2013-08-15. Review status: criteria provided, single submitter. Criteria: ACMG Guidelines, 2007. Collection method: clinical testing. Allele origin: germline.

Eurofins Ntd Llc (ga)
Classification: Benign. Last evaluated: 2012-09-19. Review status: criteria provided, single submitter. Criteria: EGL Classification Definitions 2015. Collection method: clinical testing. Allele origin: germline. Observed: 20 variant alleles, 19 heterozygotes, 1 homozygote.

Breakthrough Genomics
Classification: Likely benign. Review status: criteria provided, single submitter. Criteria: ACMG Guidelines, 2015. Collection method: not provided. Allele origin: germline. Inheritance: Autosomal recessive inheritance. Affected: yes.

PreventionGenetics, part of Exact Sciences
Classification: Benign. Review status: criteria provided, single submitter. Criteria: ACMG Guidelines, 2015. Collection method: clinical testing. Allele origin: germline.

Clinical Genetics, Academic Medical Center
Classification: Benign. Review status: no assertion criteria provided. Collection method: clinical testing. Allele origin: germline. Affected: yes. Study: VKGL Data-share Consensus. Not counted in ClinVar's aggregate classification.

Joint Genome Diagnostic Labs from Nijmegen and Maastricht, Radboudumc and MUMC+
Classification: Benign. Review status: no assertion criteria provided. Collection method: clinical testing. Allele origin: germline. Affected: yes. Study: VKGL Data-share Consensus. Not counted in ClinVar's aggregate classification.